The following is an entry in ClinVar:

ClinVar aggregate classification (germline): Likely benign. Review status: criteria provided, multiple submitters, no conflicts (2 of 4 stars). 3 submissions from 3 submitters: Likely benign (2). 1 of the submissions does not count toward it. Last evaluated 2026-01-24.

Conditions:
Vici syndrome (VICIS). Identifiers: Orphanet 1493, MedGen C1855772, MONDO:0009452, OMIM 242840.
EPG5-related disorder. Also called: EPG5-related condition. Identifiers: MedGen CN381528.

Allele frequency attached by ClinVar (database versions not stated): gnomAD 0.00001 and 0.00003; gnomAD exomes 0.00002 and 0.00004; ExAC 0.00003; TOPMed 0.00003; 1000 Genomes Project 30x 0.00016; ESP Exome Variant Server 0.00016; 1000 Genomes Project 0.00020.
gnomAD v4.1: 38 of 1,614,148 alleles (0.0024%); highest among the groups gnomAD compares: South Asian, 0.0055%; no homozygotes.

Submissions (3):

Labcorp Genetics (formerly Invitae), Labcorp
Classification: Likely benign for Vici syndrome. Last evaluated: 2026-01-24. Review status: criteria provided, single submitter. Criteria: Invitae Variant Classification Sherloc (09022015). Collection method: clinical testing. Allele origin: germline.

Breakthrough Genomics
Classification: Likely benign. Review status: criteria provided, single submitter. Criteria: ACMG Guidelines, 2015. Collection method: not provided. Allele origin: germline. Inheritance: Autosomal recessive inheritance. Affected: yes.

PreventionGenetics, part of Exact Sciences
Classification: Likely benign for EPG5-related condition. Last evaluated: 2019-08-20. Review status: no assertion criteria provided. Collection method: clinical testing. Allele origin: germline. Not counted in ClinVar's aggregate classification.
Comment: This variant is classified as likely benign based on ACMG/AMP sequence variant interpretation guidelines (Richards et al. 2015 PMID: 25741868, with internal and published modifications).

NM_020964.3(EPG5):c.4596C>T (p.Asp1532=)

Gene: EPG5 (ectopic P-granules 5 autophagy tethering factor; minus strand). Cytogenetic location: 18q21.1.
Variant type: single nucleotide variant.
Coding change: c.4596C>T on transcript NM_020964.3 (MANE Select); coding-DNA position 4596, C replaced by T.
Protein change: p.Asp1532=; no amino-acid change (aspartic acid 1532 retained).
Molecular consequence: synonymous variant.
Genome position (GRCh38, 1-based): chr18:45,901,046, G>A on the plus strand (C>T on the coding strand, the complement: EPG5 is on the minus strand). VCF-style: chr18-45901046-G-A. GRCh37 (hg19) VCF-style: chr18-43481011-G-A.
Other names: c.4596C>T (NM_020964.2).
Identifiers: ClinVar variation 1596809 (VCV001596809.12), dbSNP rs201777260, ClinGen allele CA8948809.